The following is an entry in ClinVar:

ClinVar aggregate classification (germline): Likely pathogenic (1 of 4 stars; one submission).

Conditions:
Propionic acidemia (PROP). Also called: GLYCINEMIA, KETOTIC; HYPERGLYCINEMIA WITH KETOACIDOSIS AND LEUKOPENIA; KETOTIC HYPERGLYCINEMIA. Identifiers: Orphanet 35, MedGen C0268579, MONDO:0011628, OMIM 606054, HP:0003571.

Submission:

Myriad Genetics, Inc.
Classification: Likely pathogenic for Propionic acidemia. Last evaluated: 2021-12-16. Review status: criteria provided, single submitter. Criteria: Myriad Women's Health Autosomal Recessive and X-Linked Classification Criteria (2021). Collection method: clinical testing. Allele origin: unknown.
Comment: NM_000532.4(PCCB):c.809delA(N270Ifs*11) is expected to be pathogenic in the context of PCCB-related propionic acidemia. This variant is predicted to lead to an abnormal or absent protein product due to the creation of a premature termination codon in PCCB, a gene where loss-of-function variants are known to be pathogenic. Please note: this variant was assessed in the context of healthy population screening.

NM_000532.5(PCCB):c.809del (p.Asn270fs)

Gene: PCCB (propionyl-CoA carboxylase subunit beta; plus strand). Cytogenetic location: 3q22.3.
Variant type: Deletion.
Coding change: c.809del on transcript NM_000532.5 (MANE Select); coding-DNA position 809, one base deleted (A; older notation c.809delA).
Protein change: p.Asn270fs; shifts the reading frame from asparagine 270.
Molecular consequence: frameshift variant.
Genome position (GRCh38, 1-based): chr3:136,297,997, A deleted; the last of 2 consecutive A bases (chr3:136,297,996-136,297,997); deleting either gives the same sequence. VCF-style (leftmost placement, unchanged base first): chr3-136297995-TA-T. GRCh37 (hg19) VCF-style: chr3-136016837-TA-T.
Other names: c.869del, p.Asn290fs (NM_001178014.2); short protein forms N270fs, N290fs.
Identifiers: ClinVar variation 1726367 (VCV001726367.2), dbSNP rs2529877419, ClinGen allele CA2580068802.